The following is an entry in ClinVar:

NM_001013703.4(EIF2AK4):c.449T>C (p.Leu150Pro)

Gene: EIF2AK4 (eukaryotic translation initiation factor 2 alpha kinase 4; plus strand). Cytogenetic location: 15q15.1.
Variant type: single nucleotide variant.
Coding change: c.449T>C on transcript NM_001013703.4 (MANE Select); coding-DNA position 449, T replaced by C.
Protein change: p.Leu150Pro; replaces leucine 150 with proline.
Molecular consequence: missense variant.
Genome position (GRCh38, 1-based): chr15:39,949,204, T>C. VCF-style: chr15-39949204-T-C. GRCh37 (hg19) VCF-style: chr15-40241405-T-C.
Other names: short protein forms L150P.
Identifiers: ClinVar variation 3636588 (VCV003636588.2).

ClinVar aggregate classification (germline): Uncertain significance (1 of 4 stars; one submission).

Submission:

Labcorp Genetics (formerly Invitae), Labcorp
Classification: Uncertain significance. Last evaluated: 2024-06-04. Review status: criteria provided, single submitter. Criteria: Invitae Variant Classification Sherloc (09022015). Collection method: clinical testing. Allele origin: germline.
Comment: This sequence change replaces leucine, which is neutral and non-polar, with proline, which is neutral and non-polar, at codon 150 of the EIF2AK4 protein (p.Leu150Pro). This variant is not present in population databases (gnomAD no frequency). This missense change has been observed in individual(s) with pulmonary hypertension (Invitae). In at least one individual the data is consistent with being in trans (on the opposite chromosome) from a pathogenic variant. Advanced modeling of protein sequence and biophysical properties (such as structural, functional, and spatial information, amino acid conservation, physicochemical variation, residue mobility, and thermodynamic stability) performed at Invitae indicates that this missense variant is not expected to disrupt EIF2AK4 protein function with a negative predictive value of 95%. In summary, the available evidence is currently insufficient to determine the role of this variant in disease. Therefore, it has been classified as a Variant of Uncertain Significance.